The following is an entry in ClinVar:

ClinVar aggregate classification (germline): Uncertain significance (0 of 4 stars; one submission).

Submission:

Martin Pollak Laboratory,  Beth Israel Deaconess Medical Center
Classification: Uncertain significance. Review status: no assertion criteria provided. Collection method: not provided. Allele origin: unknown.
Comment: Higher UCa2+ group
ClinVar note: Converted during submission from unknown to Uncertain significance.

NM_001096.3(ACLY):c.2747C>T (p.Ala916Val)

Gene: ACLY (ATP citrate lyase; minus strand). Cytogenetic location: 17q21.2.
Variant type: single nucleotide variant.
Coding change: c.2747C>T on transcript NM_001096.3 (MANE Select); coding-DNA position 2747, C replaced by T.
Protein change: p.Ala916Val; replaces alanine 916 with valine.
Molecular consequence: missense variant.
Genome position (GRCh38, 1-based): chr17:41,872,078, G>A on the plus strand (C>T on the coding strand, the complement: ACLY is on the minus strand). VCF-style: chr17-41872078-G-A. GRCh37 (hg19) VCF-style: chr17-40028331-G-A.
Other names: c.2909C>T, p.Ala970Val (NM_001303274.1); c.2879C>T, p.Ala960Val (NM_001303275.1); c.2717C>T, p.Ala906Val (NM_198830.2); short protein forms A916V, A970V, A906V, A960V.
Identifiers: ClinVar variation 64470 (VCV000064470.2), dbSNP rs387907385, ClinGen allele CA216215.